The following is an entry in ClinVar:

NM_000814.6(GABRB3):c.698T>C (p.Leu233Pro)

Gene: GABRB3 (gamma-aminobutyric acid type A receptor subunit beta3; minus strand). Cytogenetic location: 15q12.
Variant type: single nucleotide variant.
Coding change: c.698T>C on transcript NM_000814.6 (MANE Select); coding-DNA position 698, T replaced by C.
Protein change: p.Leu233Pro; replaces leucine 233 with proline.
Molecular consequence: missense variant.
Genome position (GRCh38, 1-based): chr15:26,567,718, A>G on the plus strand (T>C on the coding strand, the complement: GABRB3 is on the minus strand). VCF-style: chr15-26567718-A-G. GRCh37 (hg19) VCF-style: chr15-26812865-A-G.
Other names: c.443T>C, p.Leu148Pro (NM_001191320.2, NM_001278631.2); c.485T>C, p.Leu162Pro (NM_001191321.3); c.698T>C, p.Leu233Pro (NM_021912.5); short protein forms L148P, L162P, L233P.
Identifiers: ClinVar variation 4887041 (VCV004887041.1).
Genomic context (GRCh38, chr15:26,567,718, plus strand): 5'-GGCATATAAGTCTGAAGAATGAAGTATCCAATGTTCCTCTTCAACCGAAAGCTCAGTGAC[A>G]GTCGAGGATAGGCACCTATGGGAAACAGACAAGGATATTACACTGGAGAAACAACATGGC-3'
Protein context (NP_000805.1, residues 223-243): VVFATGAYPR[Leu233Pro]SLSFRLKRNI

ClinVar aggregate classification (germline): Uncertain significance (1 of 4 stars; one submission).

Conditions:
Developmental and epileptic encephalopathy, 43 (DEE43). Also called: Epileptic encephalopathy, early infantile, 43. Identifiers: MedGen C4310712, MONDO:0014921, OMIM 617113.

Submission:

MVZ Medizinische Genetik Mainz
Classification: Uncertain significance for Developmental and epileptic encephalopathy, 43. Last evaluated: 2026-07-24. Review status: criteria provided, single submitter. Criteria: UK Practice Guidelines For Variant Classification V4 01 2020. Collection method: clinical testing. Allele origin: germline. Inheritance: Autosomal dominant inheritance. Affected: yes. Observed: 1 variant allele.
Comment: ACMG Criteria: PP3_STR,PM2_SUP